The following is an entry in ClinVar:

NM_001365536.1(SCN9A):c.4766C>T (p.Ser1589Phe)

Genes: SCN1A-AS1 (SCN1A and SCN9A antisense RNA 1; plus strand), SCN9A (sodium voltage-gated channel alpha subunit 9; minus strand). Cytogenetic location: 2q24.3.
Variant type: single nucleotide variant.
Coding change: c.4766C>T on transcript NM_001365536.1 (MANE Select); coding-DNA position 4766, C replaced by T.
Protein change: p.Ser1589Phe; replaces serine 1589 with phenylalanine.
Molecular consequence: missense variant.
Genome position (GRCh38, 1-based): chr2:166,203,963, G>A on the plus strand (C>T on the coding strand, the complement: SCN9A is on the minus strand). VCF-style: chr2-166203963-G-A. GRCh37 (hg19) VCF-style: chr2-167060473-G-A.
Other names: c.4733C>T, p.Ser1578Phe (NM_002977.4); short protein forms S1578F, S1589F.
Identifiers: ClinVar variation 2938329 (VCV002938329.3), dbSNP rs2468894809, ClinGen allele CA349057258.

ClinVar aggregate classification (germline): Uncertain significance (1 of 4 stars; one submission).

Conditions:
Neuropathy, hereditary sensory and autonomic, type 2A (HSAN2A). Also called: ACROOSTEOLYSIS, GIACCAI TYPE; ACROOSTEOLYSIS, NEUROGENIC; MORVAN DISEASE; NEUROPATHY, CONGENITAL SENSORY; NEUROPATHY, HEREDITARY SENSORY RADICULAR, AUTOSOMAL RECESSIVE; NEUROPATHY, HEREDITARY SENSORY, TYPE IIA. Identifiers: Orphanet 970, MedGen C2752089, MONDO:0024309, OMIM 201300.
Generalized epilepsy with febrile seizures plus, type 7 (GEFSP7). Also called: GEFS+, TYPE 7. Identifiers: Orphanet 36387, MedGen C2751778, MONDO:0013470, OMIM 613863.

Allele frequency attached by ClinVar (database versions not stated): gnomAD exomes below 0.00001.
gnomAD v4.1: 3 of 1,567,364 alleles (0.00019%); highest among the groups gnomAD compares: African/African-American, 0.0014%; no homozygotes.

Submission:

Labcorp Genetics (formerly Invitae), Labcorp
Classification: Uncertain significance for Neuropathy, hereditary sensory and autonomic, type 2A; Generalized epilepsy with febrile seizures plus, type 7. Last evaluated: 2023-02-04. Review status: criteria provided, single submitter. Criteria: Invitae Variant Classification Sherloc (09022015). Collection method: clinical testing. Allele origin: germline.
Comment: Algorithms developed to predict the effect of missense changes on protein structure and function (SIFT, PolyPhen-2, Align-GVGD) all suggest that this variant is likely to be disruptive. This variant has not been reported in the literature in individuals affected with SCN9A-related conditions. This variant is not present in population databases (gnomAD no frequency). This sequence change replaces serine, which is neutral and polar, with phenylalanine, which is neutral and non-polar, at codon 1578 of the SCN9A protein (p.Ser1578Phe). In summary, the available evidence is currently insufficient to determine the role of this variant in disease. Therefore, it has been classified as a Variant of Uncertain Significance.